The following is an entry in ClinVar:

ClinVar aggregate classification (germline): Uncertain significance (1 of 4 stars; one submission).

Conditions:
Regional enteritis. Also called: Enteritis, Granulomatous. Identifiers: MedGen C0678202, MeSH D003424.
Blau syndrome (BLAUS). Also called: GRANULOMATOSIS, FAMILIAL JUVENILE SYSTEMIC; GRANULOMATOSIS, FAMILIAL, BLAU TYPE; GRANULOMATOUS INFLAMMATORY ARTHRITIS, DERMATITIS, AND UVEITIS, FAMILIAL; JABS SYNDROME; ARTHROCUTANEOUVEAL GRANULOMATOSIS. Identifiers: Orphanet 90340, MedGen C5201146, MONDO:0008523, OMIM 186580.

Allele frequency attached by ClinVar (database versions not stated): gnomAD exomes below 0.00001 and 0.00003; ExAC 0.00001; gnomAD 0.00001; TOPMed 0.00001.
gnomAD v4.1: 42 of 1,613,258 alleles (0.0026%); highest among the groups gnomAD compares: Non-Finnish European, 0.0034%; no homozygotes.

Submission:

Labcorp Genetics (formerly Invitae), Labcorp
Classification: Uncertain significance for Regional enteritis; Blau syndrome. Last evaluated: 2025-02-26. Review status: criteria provided, single submitter. Criteria: Invitae Variant Classification Sherloc (09022015). Collection method: clinical testing. Allele origin: germline.
Comment: This sequence change replaces histidine, which is basic and polar, with arginine, which is basic and polar, at codon 520 of the NOD2 protein (p.His520Arg). This variant is present in population databases (rs757269951, gnomAD 0.0009%). This variant has not been reported in the literature in individuals affected with NOD2-related conditions. ClinVar contains an entry for this variant (Variation ID: 1371592). Invitae Evidence Modeling of protein sequence and biophysical properties (such as structural, functional, and spatial information, amino acid conservation, physicochemical variation, residue mobility, and thermodynamic stability) has been performed for this missense variant. However, the output from this modeling did not meet the statistical confidence thresholds required to predict the impact of this variant on NOD2 protein function. In summary, the available evidence is currently insufficient to determine the role of this variant in disease. Therefore, it has been classified as a Variant of Uncertain Significance.

NM_001370466.1(NOD2):c.1478A>G (p.His493Arg)

Gene: NOD2 (nucleotide binding oligomerization domain containing 2; plus strand). Cytogenetic location: 16q12.1.
Variant type: single nucleotide variant.
Coding change: c.1478A>G on transcript NM_001370466.1 (MANE Select); coding-DNA position 1478, A replaced by G.
Protein change: p.His493Arg; replaces histidine 493 with arginine.
Molecular consequence: missense variant. On other transcripts: non-coding transcript variant (1).
Genome position (GRCh38, 1-based): chr16:50,711,470, A>G. VCF-style: chr16-50711470-A-G. GRCh37 (hg19) VCF-style: chr16-50745381-A-G.
Other names: c.1478A>G, p.His493Arg (NM_001293557.2); c.1559A>G, p.His520Arg (NM_022162.3); short protein forms H493R, H520R.
Identifiers: ClinVar variation 1371592 (VCV001371592.6), dbSNP rs757269951, ClinGen allele CA8051571.